The following is an entry in ClinVar:

ClinVar aggregate classification (germline): Likely benign (0 of 4 stars; one submission).

Conditions:
CNTN6-related disorder. Also called: CNTN6-related condition.

Allele frequency attached by ClinVar (database versions not stated): gnomAD exomes 0.00004; TOPMed 0.00006; gnomAD 0.00007; ExAC 0.00013; 1000 Genomes Project 30x 0.00047; 1000 Genomes Project 0.00060.
gnomAD v4.1: 80 of 1,613,908 alleles (0.005%); highest among the groups gnomAD compares: East Asian, 0.065%; no homozygotes.

Submission:

PreventionGenetics, part of Exact Sciences
Classification: Likely benign for CNTN6-related condition. Last evaluated: 2019-05-24. Review status: no assertion criteria provided. Collection method: clinical testing. Allele origin: germline.
Comment: This variant is classified as likely benign based on ACMG/AMP sequence variant interpretation guidelines (Richards et al. 2015 PMID: 25741868, with internal and published modifications).

NM_001289080.2(CNTN6):c.2187G>A (p.Gln729=)

Gene: CNTN6 (contactin 6; plus strand). Cytogenetic location: 3p26.3.
Variant type: single nucleotide variant.
Coding change: c.2187G>A on transcript NM_001289080.2 (MANE Select); coding-DNA position 2187, G replaced by A.
Protein change: p.Gln729=; no amino-acid change (glutamine 729 retained).
Molecular consequence: synonymous variant.
Genome position (GRCh38, 1-based): chr3:1,382,962, G>A. VCF-style: chr3-1382962-G-A. GRCh37 (hg19) VCF-style: chr3-1424646-G-A.
Other names: c.1971G>A, p.Gln657= (NM_001289081.2); c.2187G>A, p.Gln729= (NM_001349350.2, NM_001349351.2, NM_001349352.2 and 4 more transcripts); c.2079G>A, p.Gln693= (NM_001349356.2); c.1875G>A, p.Gln625= (NM_001349357.2); c.1632G>A, p.Gln544= (NM_001349358.2); c.1065G>A, p.Gln355= (NM_001349359.2, NM_001349360.2, NM_001349361.2 and 1 more transcripts).
Identifiers: ClinVar variation 3039588 (VCV003039588.2), dbSNP rs191600695, ClinGen allele CA2226478.
Genomic context (GRCh38, chr3:1,382,962, plus strand): 5'-TTTTTGCAAATACTCAGTGATTGATCACATTCTGCCCAAGTCAATTCCAGAAGAACTGCA[G>A]AATGGGGAGGGATTTGGATATATCATCATGTTCCGGCCAGTGGGCTCGACAACCTGGTCC-3'
Protein context (NP_001276009.1, residues 719-739): ITWESIPEEL[Gln729=]NGEGFGYIIM